The following is an entry in ClinVar:

NM_000089.4(COL1A2):c.3235A>G (p.Ile1079Val)

Gene: COL1A2 (collagen type I alpha 2 chain; plus strand). Cytogenetic location: 7q21.3.
Variant type: single nucleotide variant.
Coding change: c.3235A>G on transcript NM_000089.4 (MANE Select); coding-DNA position 3235, A replaced by G.
Protein change: p.Ile1079Val; replaces isoleucine 1079 with valine.
Molecular consequence: missense variant.
Genome position (GRCh38, 1-based): chr7:94,427,263, A>G. VCF-style: chr7-94427263-A-G. GRCh37 (hg19) VCF-style: chr7-94056575-A-G.
Other names: short protein forms I1079V.
Identifiers: ClinVar variation 5007961 (VCV005007961.1).

ClinVar aggregate classification (germline): Uncertain significance (1 of 4 stars; one submission).

gnomAD v4.1: 5 of 1,613,814 alleles (0.00031%); highest among the groups gnomAD compares: Non-Finnish European, 0.00042%; no homozygotes.

Submission:

GeneDx
Classification: Uncertain significance. Last evaluated: 2026-02-28. Review status: criteria provided, single submitter. Criteria: GeneDx Variant Classification Process June 2021. Collection method: clinical testing. Allele origin: germline.
Comment: Not observed at significant frequency in large population cohorts (gnomAD); In silico analysis suggests that this missense variant does not alter protein structure/function; Occurs in the triple helical domain at the X position in the canonical Gly-X-Y repeat; although this variant may have an effect on normal protein folding and function, missense substitution at the X position is not a common mechanism of disease (HGMD); Has not been previously published as pathogenic or benign to our knowledge